The following is an entry in ClinVar:

ClinVar aggregate classification (germline): Pathogenic. Review status: criteria provided, multiple submitters, no conflicts (2 of 4 stars). 3 submissions from 3 submitters: Pathogenic (2). 1 of the submissions does not count toward it. Last evaluated 2025-07-17.

Conditions:
GNE myopathy (NM). Also called: IBM 2; Inclusion body myopathy autosomal recessive; Inclusion body myopathy quadriceps sparing; NONAKA DISTAL MYOPATHY; INCLUSION BODY MYOPATHY, HEREDITARY, AUTOSOMAL RECESSIVE; INCLUSION BODY MYOPATHY 2, AUTOSOMAL RECESSIVE. Identifiers: Orphanet 602, MedGen C1853926, MONDO:0011603, OMIM 605820.

Allele frequency attached by ClinVar (database versions not stated): gnomAD exomes below 0.00001; TOPMed below 0.00001; gnomAD 0.00001 and 0.00003.
gnomAD v4.1: 4 of 1,614,016 alleles (0.00025%); highest among the groups gnomAD compares: South Asian, 0.0011%; no homozygotes.

Submissions (3):

Natera, Inc.
Classification: Pathogenic for Nonaka myopathy. Last evaluated: 2025-07-17. Review status: criteria provided, single submitter. Criteria: Natera Variant Classification Schema (03/2026). Collection method: clinical testing. Allele origin: germline.
Comment: The c.1578G>A variant in GNE is a nonsense variant predicted to introduce a stop codon at amino acid 526. This variant is expected to result in nonsense mediated decay, truncation, or a dysfunctional protein product. This variant is rare in the general population with a frequency below the threshold expected for the associated phenotype(s). This variant has been observed in one or more individuals affected with the associated recessive disease, as either homozygous or compound heterozygous with a second variant (PMID: 39213088). Given the available evidence, this variant is classified as Pathogenic.

Baylor Genetics
Classification: Pathogenic for GNE myopathy. Last evaluated: 2023-06-22. Review status: criteria provided, single submitter. Criteria: ACMG Guidelines, 2015. Collection method: clinical testing. Allele origin: unknown.

Counsyl
Classification: Likely pathogenic for GNE myopathy. Last evaluated: 2017-09-05. Review status: no assertion criteria provided. Collection method: clinical testing. Allele origin: unknown. Not counted in ClinVar's aggregate classification.

Literature cited by the submitters: PubMed 39213088 (cited by Natera, Inc.); PubMed 23437777 (cited by Counsyl).

NM_005476.7(GNE):c.1485G>A (p.Trp495Ter)

Gene: GNE (glucosamine (UDP-N-acetyl)-2-epimerase/N-acetylmannosamine kinase; minus strand). Cytogenetic location: 9p13.3.
Variant type: single nucleotide variant.
Coding change: c.1485G>A on transcript NM_005476.7 (MANE Select); coding-DNA position 1485, G replaced by A.
Protein change: p.Trp495Ter; replaces tryptophan 495 with a stop codon.
Molecular consequence: nonsense. On other transcripts: intron variant (1).
Genome position (GRCh38, 1-based): chr9:36,222,925, C>T on the plus strand (G>A on the coding strand, the complement: GNE is on the minus strand). VCF-style: chr9-36222925-C-T. GRCh37 (hg19) VCF-style: chr9-36222922-C-T.
Other names: c.1578G>A, p.Trp526Ter (NM_001128227.3); c.1155G>A, p.Trp385Ter (NM_001190384.3); c.1308G>A, p.Trp436Ter (NM_001190388.2, NM_001374798.1); c.1332G>A, p.Trp444Ter (NM_001374797.1); c.1411+448G>A (NM_001190383.3); short protein forms W495*, W526*, W385*, W444*, W436*.
Identifiers: ClinVar variation 553715 (VCV000553715.4), dbSNP rs1212623980, ClinGen allele CA373426660.